The following is an entry in ClinVar:

NM_001353788.2(APBA2):c.1809C>T (p.Gly603=)

Gene: APBA2 (amyloid beta precursor protein binding family A member 2; plus strand). Cytogenetic location: 15q13.1.
Variant type: single nucleotide variant.
Coding change: c.1809C>T on transcript NM_001353788.2 (MANE Select); coding-DNA position 1809, C replaced by T.
Protein change: p.Gly603=; no amino-acid change (glycine 603 retained).
Molecular consequence: synonymous variant.
Genome position (GRCh38, 1-based): chr15:29,106,711, C>T. VCF-style: chr15-29106711-C-T. GRCh37 (hg19) VCF-style: chr15-29398914-C-T.
Other names: c.1773C>T, p.Gly591= (NM_001130414.1, NM_001353792.2, NM_001353793.2 and 1 more transcripts); c.1809C>T, p.Gly603= (NM_001353789.2, NM_001353790.2, NM_001353791.2 and 3 more transcripts); c.921C>T, p.Gly307= (NM_001353796.2); c.885C>T, p.Gly295= (NM_001353797.2).
Identifiers: ClinVar variation 3056994 (VCV003056994.2), dbSNP rs8032178, ClinGen allele CA7445562.

ClinVar aggregate classification (germline): Benign (0 of 4 stars; one submission).

Conditions:
APBA2-related disorder. Also called: APBA2-related condition.

Allele frequency attached by ClinVar (database versions not stated): gnomAD exomes 0.00498; ExAC 0.01691; gnomAD 0.05249; 1000 Genomes Project 0.05891; TOPMed 0.05897; ESP Exome Variant Server 0.06184; 1000 Genomes Project 30x 0.06371.
gnomAD v4.1: 15,508 of 1,612,946 alleles (0.96%); highest among the groups gnomAD compares: African/African-American, 18%; 1,298 homozygotes.

Submission:

PreventionGenetics, part of Exact Sciences
Classification: Benign for APBA2-related condition. Last evaluated: 2019-05-01. Review status: no assertion criteria provided. Collection method: clinical testing. Allele origin: germline.
Comment: This variant is classified as benign based on ACMG/AMP sequence variant interpretation guidelines (Richards et al. 2015 PMID: 25741868, with internal and published modifications).